The following is an entry in ClinVar:

ClinVar aggregate classification (germline): Uncertain significance (1 of 4 stars; one submission).

gnomAD v4.1: 3 of 1,596,294 alleles (0.00019%); highest among the groups gnomAD compares: African/African-American, 0.0027%; no homozygotes.

Submission:

Women's Health and Genetics/Laboratory Corporation of America, LabCorp
Classification: Uncertain significance. Last evaluated: 2024-07-22. Review status: criteria provided, single submitter. Criteria: LabCorp Variant Classification Summary - May 2015. Collection method: clinical testing. Allele origin: germline.
Comment: Variant summary: KIAA0753 c.2786+1G>A is located in a canonical splice-site in the last intron and is predicted to affect mRNA splicing resulting in a significantly altered protein due to either exon skipping, shortening, or inclusion of intronic material. Several computational tools predict a significant impact on normal splicing: Four predict the variant abolishes a 5' splicing donor site. However, these predictions have yet to be confirmed by functional studies. The variant allele was found at a frequency of 4.3e-06 in 231764 control chromosomes. The available data on variant occurrences in the general population are insufficient to allow any conclusion about variant significance. To our knowledge, no occurrence of c.2786+1G>A in individuals affected with Joubert Syndrome 38 and no experimental evidence demonstrating its impact on protein function have been reported. No submitters have cited clinical-significance assessments for this variant to ClinVar. Based on the evidence outlined above, the variant was classified as uncertain significance.

NM_014804.3(KIAA0753):c.2786+1G>A

Gene: KIAA0753 (KIAA0753; minus strand). Cytogenetic location: 17p13.1.
Variant type: single nucleotide variant.
Coding change: c.2786+1G>A on transcript NM_014804.3 (MANE Select); the canonical splice donor site of the intron after coding-DNA position 2786, G replaced by A.
Molecular consequence: splice donor variant.
Genome position (GRCh38, 1-based): chr17:6,589,778, C>T on the plus strand (G>A on the coding strand, the complement: KIAA0753 is on the minus strand). VCF-style: chr17-6589778-C-T. GRCh37 (hg19) VCF-style: chr17-6493098-C-T.
Other names: c.1889+1G>A (NM_001351225.2).
Identifiers: ClinVar variation 3339428 (VCV003339428.1).